The following is an entry in ClinVar:

ClinVar aggregate classification (germline): Uncertain significance (1 of 4 stars; one submission).

Conditions:
Fanconi anemia (FA). Also called: Fanconi's anemia. Identifiers: Orphanet 84, MedGen C0015625, MeSH D005199, MONDO:0019391.

Submission:

Labcorp Genetics (formerly Invitae), Labcorp
Classification: Uncertain significance for Fanconi anemia. Last evaluated: 2023-08-17. Review status: criteria provided, single submitter. Criteria: Invitae Variant Classification Sherloc (09022015). Collection method: clinical testing. Allele origin: germline.
Comment: In summary, the available evidence is currently insufficient to determine the role of this variant in disease. Therefore, it has been classified as a Variant of Uncertain Significance. Advanced modeling of protein sequence and biophysical properties (such as structural, functional, and spatial information, amino acid conservation, physicochemical variation, residue mobility, and thermodynamic stability) performed at Invitae indicates that this missense variant is expected to disrupt FANCA protein function. This variant has not been reported in the literature in individuals affected with FANCA-related conditions. This variant is not present in population databases (gnomAD no frequency). This sequence change replaces methionine, which is neutral and non-polar, with arginine, which is basic and polar, at codon 664 of the FANCA protein (p.Met664Arg).

NM_000135.4(FANCA):c.1991T>G (p.Met664Arg)

Gene: FANCA (FA complementation group A; minus strand). Cytogenetic location: 16q24.3.
Variant type: single nucleotide variant.
Coding change: c.1991T>G on transcript NM_000135.4 (MANE Select); coding-DNA position 1991, T replaced by G.
Protein change: p.Met664Arg; replaces methionine 664 with arginine.
Molecular consequence: missense variant.
Genome position (GRCh38, 1-based): chr16:89,773,294, A>C on the plus strand (T>G on the coding strand, the complement: FANCA is on the minus strand). VCF-style: chr16-89773294-A-C. GRCh37 (hg19) VCF-style: chr16-89839702-A-C.
Other names: c.1991T>G, p.Met664Arg (NM_001286167.3); short protein forms M664R.
Identifiers: ClinVar variation 2753569 (VCV002753569.3), dbSNP rs2544207346, ClinGen allele CA397449625.